The following is an entry in ClinVar:

ClinVar aggregate classification (germline): Pathogenic (1 of 4 stars; one submission).

Conditions:
Familial cancer of breast. Also called: hereditary breast carcinoma; BREAST CANCER, FAMILIAL; Hereditary breast cancer. Identifiers: Orphanet 227535, MedGen C0346153, MONDO:0016419, OMIM 114480. Disease mechanism: loss of function.

Submission:

Labcorp Genetics (formerly Invitae), Labcorp
Classification: Pathogenic for Familial cancer of breast. Last evaluated: 2025-01-27. Review status: criteria provided, single submitter. Criteria: Invitae Variant Classification Sherloc (09022015). Collection method: clinical testing. Allele origin: germline.
Comment: This sequence change creates a premature translational stop signal (p.Ile258Metfs*17) in the CHEK2 gene. It is expected to result in an absent or disrupted protein product. Loss-of-function variants in CHEK2 are known to be pathogenic (PMID: 21876083, 24713400). This variant is not present in population databases (gnomAD no frequency). This variant has not been reported in the literature in individuals affected with CHEK2-related conditions. For these reasons, this variant has been classified as Pathogenic.

Literature cited by the submitters: PubMed 21876083; PubMed 24713400.

NM_007194.4(CHEK2):c.774del (p.Ile258fs)

Gene: CHEK2 (checkpoint kinase 2; minus strand). Cytogenetic location: 22q12.1.
Variant type: Deletion.
Coding change: c.774del on transcript NM_007194.4 (MANE Select); coding-DNA position 774, one base deleted (T; older notation c.774delT).
Protein change: p.Ile258fs; shifts the reading frame from isoleucine 258.
Molecular consequence: frameshift variant.
Genome position (GRCh38, 1-based): chr22:28,711,927, A deleted on the plus strand (T on the coding strand, the reverse complement: CHEK2 is on the minus strand); the first of 2 consecutive A bases (chr22:28,711,927-28,711,928); deleting either gives the same sequence. VCF-style (leftmost placement, unchanged base first): chr22-28711926-CA-C. GRCh37 (hg19) VCF-style: chr22-29107914-CA-C.
Other names: c.903del, p.Ile301fs (NM_001005735.3, NM_001438294.1); c.111del, p.Ile37fs (NM_001257387.3, NM_001437942.1); c.573del, p.Ile191fs (NM_001349956.3); c.867del, p.Ile289fs (NM_001438293.1, NM_001438295.1); c.774del, p.Ile258fs (NM_145862.3); short protein forms I289fs, I191fs, I258fs, I301fs, I37fs.
Identifiers: ClinVar variation 4711893 (VCV004711893.1).